The following is an entry in ClinVar:

ClinVar aggregate classification (germline): Uncertain significance (1 of 4 stars; one submission).

Submission:

GeneDx
Classification: Uncertain significance. Last evaluated: 2024-11-20. Review status: criteria provided, single submitter. Criteria: GeneDx Variant Classification Process June 2021. Collection method: clinical testing. Allele origin: germline. Affected: yes.
Comment: Not observed at significant frequency in large population cohorts (gnomAD); In silico analysis indicates that this missense variant does not alter protein structure/function; Has not been previously published as pathogenic or benign to our knowledge

NM_006734.4(HIVEP2):c.3670C>A (p.Pro1224Thr)

Gene: HIVEP2 (HIVEP zinc finger 2; minus strand). Cytogenetic location: 6q24.2.
Variant type: single nucleotide variant.
Coding change: c.3670C>A on transcript NM_006734.4 (MANE Select); coding-DNA position 3670, C replaced by A.
Protein change: p.Pro1224Thr; replaces proline 1224 with threonine.
Molecular consequence: missense variant.
Genome position (GRCh38, 1-based): chr6:142,771,069, G>T on the plus strand (C>A on the coding strand, the complement: HIVEP2 is on the minus strand). VCF-style: chr6-142771069-G-T. GRCh37 (hg19) VCF-style: chr6-143092206-G-T.
Other names: short protein forms P1224T.
Identifiers: ClinVar variation 3900533 (VCV003900533.1).